The following is an entry in ClinVar:

NM_000552.5(VWF):c.5621-50_5842+50del

Gene: VWF (von Willebrand factor; minus strand). Cytogenetic location: 12p13.31.
Variant type: Deletion.
Coding change: c.5621-50_5842+50del on transcript NM_000552.5 (MANE Select); 50 bases into the intron before coding-DNA position 5621 through 50 bases into the intron after coding-DNA position 5842, 614 bases deleted.
Molecular consequence: splice acceptor variant, splice donor variant.
Genome position (GRCh38, 1-based): chr12:6,011,567-6,012,180, 614 bases deleted. GRCh37 (hg19): chr12:6,120,733-6,121,346.
Identifiers: ClinVar variation 1333001 (VCV001333001.2), dbSNP rs2136403361, ClinGen allele CA2573053736.

ClinVar aggregate classification (germline): Pathogenic (1 of 4 stars; one submission).

Conditions:
Hereditary von Willebrand disease. Identifiers: Orphanet 903, MedGen C5703318, MONDO:0019565. Inheritance: Autosomal recessive or Autosomal dominant.

Submission:

ISTH-SSC Genomics in Thrombosis and Hemostasis, KU Leuven, Center for Molecular and Vascular Biology
Classification: Pathogenic for von Willebrand disorder. Review status: criteria provided, single submitter. Criteria: ACMG Guidelines, 2015. Collection method: research. Allele origin: unknown. Inheritance: Autosomal recessive inheritance. Affected: yes.
Comment: Gold Variant submitter: Dr Karyn Megy, NIHR Bioresource - Cambridge University, UK

Literature cited by the submitters: PubMed 34355501.